The following is an entry in ClinVar:

NM_001110556.2(FLNA):c.1260C>G (p.Ile420Met)

Gene: FLNA (filamin A; minus strand). Cytogenetic location: Xq28.
Variant type: single nucleotide variant.
Coding change: c.1260C>G on transcript NM_001110556.2 (MANE Select); coding-DNA position 1260, C replaced by G.
Protein change: p.Ile420Met; replaces isoleucine 420 with methionine.
Molecular consequence: missense variant.
Genome position (GRCh38, 1-based): chrX:154,366,193, G>C on the plus strand (C>G on the coding strand, the complement: FLNA is on the minus strand). VCF-style: chrX-154366193-G-C. GRCh37 (hg19) VCF-style: chrX-153594561-G-C.
Other names: c.1260C>G, p.Ile420Met (NM_001456.4); short protein forms I420M.
Identifiers: ClinVar variation 1302654 (VCV001302654.4), dbSNP rs1351119633, ClinGen allele CA415243960.
Genomic context (GRCh38, chrX:154,366,193, plus strand): 5'-GCTGTCGCCCCGGGCCTCCAGCTGAGGCTCTACCGTGCCCTTCTGTCCCATGGGGTCCTG[G>C]ATCACAACCTCGACCTCGCCCGTGCCAGCTCCTGCCACGAGGCACCTGCTCAGCTCCCAG-3'
Protein context (NP_001104026.1, residues 410-430): GAGTGEVEVV[Ile420Met]QDPMGQKGTV

ClinVar aggregate classification (germline): Conflicting classifications of pathogenicity. Review status: criteria provided, conflicting classifications (1 of 4 stars). 2 submissions from 2 submitters: Uncertain significance (1); Likely benign (1). Last evaluated 2025-12-20.

Conditions:
Melnick-Needles syndrome (MNS). Also called: MELNICK-NEEDLES OSTEODYSPLASTY; OSTEODYSPLASTY OF MELNICK AND NEEDLES; Melnick-Needles Syndrome (FLNA-MNS). Identifiers: Orphanet 2484, MedGen C0025237, MONDO:0010650, OMIM 309350.
Frontometaphyseal dysplasia (FMD1). Identifiers: MONDO:0015942, Orphanet 1826, MedGen C0265293.
Oto-palato-digital syndrome, type II (OPD2). Also called: Otopalatodigital Syndrome, Type II; FACIOPALATOOSSEOUS SYNDROME; OPD II SYNDROME; Otopalatodigital Syndrome Type 2 (FLNA-OPD2). Identifiers: Orphanet 669, Orphanet 90652, MedGen C1844696, MONDO:0010571, OMIM 304120.
Heterotopia, periventricular, X-linked dominant (PVNH1). Also called: X-linked periventricular heterotopia; PERIVENTRICULAR NODULAR HETEROTOPIA 4; HETEROTOPIA, PERIVENTRICULAR, 1; PERIVENTRICULAR NODULAR HETEROTOPIA 1. Identifiers: Orphanet 2149, Orphanet 82004, MedGen C1848213, MONDO:0010233, OMIM 300049.

Allele frequency attached by ClinVar (database versions not stated): gnomAD 0.00001.

Submissions (2):

Labcorp Genetics (formerly Invitae), Labcorp
Classification: Likely benign for Oto-palato-digital syndrome, type II; Heterotopia, periventricular, X-linked dominant; Frontometaphyseal dysplasia; Melnick-Needles syndrome. Last evaluated: 2025-12-20. Review status: criteria provided, single submitter. Criteria: Invitae Variant Classification Sherloc (09022015). Collection method: clinical testing. Allele origin: germline.

GeneDx
Classification: Uncertain significance. Last evaluated: 2022-08-09. Review status: criteria provided, single submitter. Criteria: GeneDx Variant Classification Process June 2021. Collection method: clinical testing. Allele origin: germline. Affected: yes.
Comment: In silico analysis suggests this variant may impact gene splicing. In the absence of RNA/functional studies, the actual effect of this sequence change is unknown.; In silico analysis supports that this missense variant does not alter protein structure/function; Has not been previously published as pathogenic or benign to our knowledge